The following is an entry in ClinVar:

ClinVar aggregate classification (germline): Likely pathogenic. Review status: criteria provided, multiple submitters, no conflicts (2 of 4 stars). 8 submissions from 8 submitters: Likely pathogenic (6). 2 of the submissions do not count toward it. Last evaluated 2025-08-27.

Conditions:
Hereditary pancreatitis (PCTT). Also called: Hereditary chronic pancreatitis; PRSS1-Related Hereditary Pancreatitis. Identifiers: Orphanet 676, MedGen C0238339, MONDO:0008185, OMIM 167800.
Congenital bilateral aplasia of vas deferens from CFTR mutation (CBAVD). Identifiers: Orphanet 48, MedGen C0403814, MONDO:0010178, OMIM 277180. Disease mechanism: loss of function.
Cystic fibrosis (CF). Also called: MUCOVISCIDOSIS. Identifiers: Orphanet 586, MedGen C0010674, MONDO:0009061, OMIM 219700. Disease mechanism: loss of function.
Bronchiectasis with or without elevated sweat chloride 1 (BESC1). Also called: Cystic Fibrosis-Like Syndrome. Identifiers: Orphanet 60033, MedGen C2749757, MONDO:0008887, OMIM 211400.
CFTR-related disorder (CFTR-RD). Also called: CFTR-related disorders; CFTR-related condition. Identifiers: MedGen C5924204, MONDO:7770004.

gnomAD v4.1: 1 of 1,582,562 alleles (0.000063%); highest among the groups gnomAD compares: East Asian, 0.0022%; no homozygotes.

Submissions (8):

Natera, Inc.
Classification: Likely pathogenic for CFTR-related disorders. Last evaluated: 2025-08-27. Review status: criteria provided, single submitter. Criteria: Natera Variant Classification Schema (03/2026). Collection method: clinical testing. Allele origin: germline.
Comment: The c.558C>G variant in CFTR is a missense variant predicted to cause substitution of asparagine to lysine at amino acid 186. This variant is rare in the general population with a frequency below the threshold expected for the associated phenotype(s). This variant has been observed in one or more individuals affected with the associated recessive disease, as either homozygous or compound heterozygous with a second variant (PMID: 25580864, 26826884). Computational prediction algorithms indicate this variant is likely to affect gene or protein function. Given the available evidence, this variant is classified as Likely Pathogenic.

Women's Health and Genetics/Laboratory Corporation of America, LabCorp
Classification: Likely pathogenic for Cystic fibrosis. Last evaluated: 2025-07-25. Review status: criteria provided, single submitter. Criteria: LabCorp Variant Classification Summary - May 2015. Collection method: clinical testing. Allele origin: germline.
Comment: Variant summary: CFTR c.558C>G (p.Asn186Lys) results in a non-conservative amino acid change located in the first transmembrane domain (IPR011527) of the encoded protein sequence. Algorithms developed to predict the effect of missense changes on protein structure and function all suggest that this variant is likely to be disruptive. The frequency data for this variant in gnomAD is considered unreliable, as metrics indicate poor data quality at this position. c.558C>G, has been reported in the literature in two individuals affected with Cystic Fibrosis, who carried a 2nd pathogenic variant (Liu_2015, Shen_2022), and in multiple individuals affected with uni- or bilateral absence of the vas deferens, described as heterozygous, or co-occurring with VUS variants (Yuan_2019, Wang_2020, Luo_2021). At least one publication reports experimental evidence evaluating an impact on protein function, and demonstrated that the N186K variant protein had similar conductance to the WT channel (Linsdell_2020), however, a different study found that a different variant resulting in the same amino acid change resulted in 14% of activity compared to WT (Bihler_2024). A different variant affecting the same codon has been classified as likely pathogenic by our lab (c.558C>A, p.Asn186Lys), supporting the critical relevance of codon 186 to CFTR protein function. The following publications have been ascertained in the context of this evaluation (PMID: 10923036, 31893350, 25580864, 32777524, 35858753, 32020786, 30811104, 38388235). ClinVar contains an entry for this variant (Variation ID: 558712). Based on the evidence outlined above, the variant was classified as likely pathogenic.

Fulgent Genetics
Classification: Likely pathogenic for Hereditary pancreatitis; Bronchiectasis with or without elevated sweat chloride 1; Cystic fibrosis; Congenital bilateral aplasia of vas deferens from CFTR mutation. Last evaluated: 2024-05-12. Review status: criteria provided, single submitter. Criteria: ACMG Guidelines, 2015. Collection method: clinical testing. Allele origin: germline.

Baylor Genetics
Classification: Likely pathogenic for Bronchiectasis with or without elevated sweat chloride 1. Last evaluated: 2024-03-27. Review status: criteria provided, single submitter. Criteria: ACMG Guidelines, 2015. Collection method: clinical testing. Allele origin: unknown.

Labcorp Genetics (formerly Invitae), Labcorp
Classification: Likely pathogenic for Cystic fibrosis. Last evaluated: 2023-08-16. Review status: criteria provided, single submitter. Criteria: Invitae Variant Classification Sherloc (09022015). Collection method: clinical testing. Allele origin: germline.
Comment: In summary, the currently available evidence indicates that the variant is pathogenic, but additional data are needed to prove that conclusively. Therefore, this variant has been classified as Likely Pathogenic. Experimental studies have shown that this missense change affects CFTR function (PMID: 31893350). Advanced modeling of protein sequence and biophysical properties (such as structural, functional, and spatial information, amino acid conservation, physicochemical variation, residue mobility, and thermodynamic stability) performed at Invitae indicates that this missense variant is expected to disrupt CFTR protein function. ClinVar contains an entry for this variant (Variation ID: 558712). This missense change has been observed in individual(s) with autosomal recessive CFTR-related conditions (PMID: 16454991, 25580864, 30811104). This variant is not present in population databases (gnomAD no frequency). This sequence change replaces asparagine, which is neutral and polar, with lysine, which is basic and polar, at codon 186 of the CFTR protein (p.Asn186Lys).

Juno Genomics, Hangzhou Juno Genomics, Inc
Classification: Likely pathogenic for Congenital bilateral aplasia of vas deferens from CFTR mutation; Cystic fibrosis. Review status: criteria provided, single submitter. Criteria: ACMG Guidelines, 2015. Collection method: clinical testing. Allele origin: germline.
Comment: Absent from controls (or at extremely low frequency if recessive) in Genome Aggregation Database.;For recessive disorders, detected in trans with a pathogenic variant.;Patient's phenotype or family history is highly specific for a disease with a single genetic etiology.

Genome-Nilou Lab
Classification: Uncertain significance for Cystic fibrosis. Last evaluated: 2021-09-05. Review status: flagged submission. Criteria: ACMG Guidelines, 2015. Collection method: clinical testing. Allele origin: germline. Affected: no. Not counted in ClinVar's aggregate classification.
ClinVar note: Reason: Outlier claim with insufficient supporting evidence

Counsyl
Classification: Uncertain significance for Cystic fibrosis. Last evaluated: 2018-06-06. Review status: flagged submission. Collection method: clinical testing. Allele origin: unknown. Not counted in ClinVar's aggregate classification.
ClinVar note: Reason: Outlier claim with insufficient supporting evidence

Literature cited by the submitters: PubMed 25580864 (cited by 4 submitters); PubMed 26826884 (cited by Natera, Inc.); PubMed 10923036 (cited by Women's Health and Genetics/Laboratory Corporation of America, LabCorp); PubMed 30811104 (cited by Women's Health and Genetics/Laboratory Corporation of America, LabCorp and Labcorp Genetics (formerly Invitae), Labcorp); PubMed 32777524 (cited by Women's Health and Genetics/Laboratory Corporation of America, LabCorp); PubMed 32020786 (cited by Women's Health and Genetics/Laboratory Corporation of America, LabCorp); PubMed 31893350 (cited by Women's Health and Genetics/Laboratory Corporation of America, LabCorp and Labcorp Genetics (formerly Invitae), Labcorp); PubMed 35858753 (cited by Women's Health and Genetics/Laboratory Corporation of America, LabCorp); PubMed 38388235 (cited by Women's Health and Genetics/Laboratory Corporation of America, LabCorp); PubMed 16454991 (cited by Labcorp Genetics (formerly Invitae), Labcorp).

NM_000492.4(CFTR):c.558C>G (p.Asn186Lys)

Gene: CFTR (CF transmembrane conductance regulator; plus strand). Cytogenetic location: 7q31.2.
Variant type: single nucleotide variant.
Coding change: c.558C>G on transcript NM_000492.4 (MANE Select); coding-DNA position 558, C replaced by G.
Protein change: p.Asn186Lys; replaces asparagine 186 with lysine.
Molecular consequence: missense variant.
Genome position (GRCh38, 1-based): chr7:117,534,344, C>G. VCF-style: chr7-117534344-C-G. GRCh37 (hg19) VCF-style: chr7-117174398-C-G.
Other names: short protein forms N186K.
Identifiers: ClinVar variation 558712 (VCV000558712.19), dbSNP rs397508753, ClinGen allele CA368976532.